The following is an entry in ClinVar:

NM_001377.3(DYNC2H1):c.8822T>G (p.Val2941Gly)

Gene: DYNC2H1 (dynein cytoplasmic 2 heavy chain 1; plus strand). Cytogenetic location: 11q22.3.
Variant type: single nucleotide variant.
Coding change: c.8822T>G on transcript NM_001377.3 (MANE Select); coding-DNA position 8822, T replaced by G.
Protein change: p.Val2941Gly; replaces valine 2941 with glycine.
Molecular consequence: missense variant.
Genome position (GRCh38, 1-based): chr11:103,215,848, T>G. VCF-style: chr11-103215848-T-G. GRCh37 (hg19) VCF-style: chr11-103086577-T-G.
Other names: c.8822T>G, p.Val2941Gly (NM_001080463.2); short protein forms V2941G.
Identifiers: ClinVar variation 946583 (VCV000946583.6), dbSNP rs923392944, ClinGen allele CA382261768.

ClinVar aggregate classification (germline): Uncertain significance (1 of 4 stars; one submission).

Conditions:
Jeune thoracic dystrophy. Also called: Short-rib thoracic dysplasia; Jeune syndrome; Infantile thoracic dystrophy; Thoracic pelvic phalangeal dystrophy; Jeune's syndrome; Chondroectodermal dysplasia-like syndrome. Identifiers: Orphanet 474, MedGen C0265275, MONDO:0018770.

gnomAD v4.1: 5 of 1,612,618 alleles (0.00031%); highest among the groups gnomAD compares: African/African-American, 0.0013%; no homozygotes.

Submission:

Labcorp Genetics (formerly Invitae), Labcorp
Classification: Uncertain significance for Jeune thoracic dystrophy. Last evaluated: 2021-09-01. Review status: criteria provided, single submitter. Criteria: Invitae Variant Classification Sherloc (09022015). Collection method: clinical testing. Allele origin: germline.
Comment: This sequence change replaces valine with glycine at codon 2941 of the DYNC2H1 protein (p.Val2941Gly). The valine residue is highly conserved and there is a moderate physicochemical difference between valine and glycine. This variant is not present in population databases (ExAC no frequency). This variant has not been reported in the literature in individuals affected with DYNC2H1-related conditions. Algorithms developed to predict the effect of missense changes on protein structure and function are either unavailable or do not agree on the potential impact of this missense change (SIFT: "Deleterious"; PolyPhen-2: "Benign"; Align-GVGD: "Class C0"). In summary, the available evidence is currently insufficient to determine the role of this variant in disease. Therefore, it has been classified as a Variant of Uncertain Significance.